The following is an entry in ClinVar:

NM_000038.6(APC):c.2788A>G (p.Thr930Ala)

Gene: APC (APC regulator of Wnt signaling pathway; plus strand). Cytogenetic location: 5q22.2.
Variant type: single nucleotide variant.
Coding change: c.2788A>G on transcript NM_000038.6 (MANE Select); coding-DNA position 2788, A replaced by G.
Protein change: p.Thr930Ala; replaces threonine 930 with alanine.
Molecular consequence: missense variant. On other transcripts: non-coding transcript variant (2).
Genome position (GRCh38, 1-based): chr5:112,838,382, A>G. VCF-style: chr5-112838382-A-G. GRCh37 (hg19) VCF-style: chr5-112174079-A-G.
Other names: c.2788A>G, p.Thr930Ala (NM_001127510.3, NM_001354895.2, NM_001407450.1); c.2734A>G, p.Thr912Ala (NM_001127511.3); c.2842A>G, p.Thr948Ala (NM_001354896.2, NM_001407447.1, NM_001407448.1 and 1 more transcripts); c.2818A>G, p.Thr940Ala (NM_001354897.2); c.2713A>G, p.Thr905Ala (NM_001354898.2); c.2704A>G, p.Thr902Ala (NM_001354899.2); c.2665A>G, p.Thr889Ala (NM_001354900.2); c.2611A>G, p.Thr871Ala (NM_001354901.2, NM_001407453.1); and 11 more; short protein forms T801A, T871A, T905A, T930A, T948A, T958A, T647A, T770A.
Identifiers: ClinVar variation 3635434 (VCV003635434.2).
Genomic context (GRCh38, chr5:112,838,382, plus strand): 5'-ACTGAATTACATTGTGTGACAGATGAGAGAAATGCACTTAGAAGAAGCTCTGCTGCCCAT[A>G]CACATTCAAACACTTACAATTTCACTAAGTCGGAAAATTCAAATAGGACATGTTCTATGC-3'
Protein context (NP_000029.2, residues 920-940): NALRRSSAAH[Thr930Ala]HSNTYNFTKS

ClinVar aggregate classification (germline): Uncertain significance (1 of 4 stars; one submission).

Conditions:
Familial adenomatous polyposis 1 (FAP1). Also called: FAMILIAL ADENOMATOUS POLYPOSIS 1, ATTENUATED; POLYPOSIS, ADENOMATOUS INTESTINAL. Identifiers: MedGen C2713442, MONDO:0021056, OMIM 175100. Disease mechanism: loss of function.

Submission:

Labcorp Genetics (formerly Invitae), Labcorp
Classification: Uncertain significance for Familial adenomatous polyposis 1. Last evaluated: 2024-04-22. Review status: criteria provided, single submitter. Criteria: Invitae Variant Classification Sherloc (09022015). Collection method: clinical testing. Allele origin: germline.
Comment: This sequence change replaces threonine, which is neutral and polar, with alanine, which is neutral and non-polar, at codon 930 of the APC protein (p.Thr930Ala). This variant is not present in population databases (gnomAD no frequency). This variant has not been reported in the literature in individuals affected with APC-related conditions. Advanced modeling of protein sequence and biophysical properties (such as structural, functional, and spatial information, amino acid conservation, physicochemical variation, residue mobility, and thermodynamic stability) performed at Invitae indicates that this missense variant is not expected to disrupt APC protein function with a negative predictive value of 95%. In summary, the available evidence is currently insufficient to determine the role of this variant in disease. Therefore, it has been classified as a Variant of Uncertain Significance.